The following is an entry in ClinVar:

ClinVar aggregate classification (germline): Uncertain significance (1 of 4 stars; one submission).

Conditions:
Immunodeficiency 51 (IMD51). Also called: CANDIDIASIS, FAMILIAL, 5. Identifiers: Orphanet 1334, MedGen C4310803, MONDO:0013500, OMIM 613953.

Allele frequency attached by ClinVar (database versions not stated): gnomAD exomes below 0.00001; TOPMed below 0.00001.
gnomAD v4.1: 2 of 1,613,108 alleles (0.00012%); highest among the groups gnomAD compares: African/African-American, 0.0013%; no homozygotes.

Submission:

Labcorp Genetics (formerly Invitae), Labcorp
Classification: Uncertain significance for Immunodeficiency 51. Last evaluated: 2022-10-04. Review status: criteria provided, single submitter. Criteria: Invitae Variant Classification Sherloc (09022015). Collection method: clinical testing. Allele origin: germline.
Comment: In summary, the available evidence is currently insufficient to determine the role of this variant in disease. Therefore, it has been classified as a Variant of Uncertain Significance. Advanced modeling of protein sequence and biophysical properties (such as structural, functional, and spatial information, amino acid conservation, physicochemical variation, residue mobility, and thermodynamic stability) has been performed at Invitae for this missense variant, however the output from this modeling did not meet the statistical confidence thresholds required to predict the impact of this variant on IL17RA protein function. This variant has not been reported in the literature in individuals affected with IL17RA-related conditions. This variant is not present in population databases (gnomAD no frequency). This sequence change replaces leucine, which is neutral and non-polar, with phenylalanine, which is neutral and non-polar, at codon 728 of the IL17RA protein (p.Leu728Phe).

NM_014339.7(IL17RA):c.2182C>T (p.Leu728Phe)

Gene: IL17RA (interleukin 17 receptor A; plus strand). Cytogenetic location: 22q11.1.
Variant type: single nucleotide variant.
Coding change: c.2182C>T on transcript NM_014339.7 (MANE Select); coding-DNA position 2182, C replaced by T.
Protein change: p.Leu728Phe; replaces leucine 728 with phenylalanine.
Molecular consequence: missense variant.
Genome position (GRCh38, 1-based): chr22:17,109,401, C>T. VCF-style: chr22-17109401-C-T. GRCh37 (hg19) VCF-style: chr22-17590291-C-T.
Other names: c.2080C>T, p.Leu694Phe (NM_001289905.2); short protein forms L694F, L728F.
Identifiers: ClinVar variation 1964881 (VCV001964881.5), dbSNP rs2061430206, ClinGen allele CA410221176.
Genomic context (GRCh38, chr22:17,109,401, plus strand): 5'-AGCCCGGGCGCTGGGCGAAATAGCGTCCTCTTCCTCCCCGTGGACCCCGAGGACTCGCCC[C>T]TTGGCAGCAGCACCCCCATGGCGTCTCCTGACCTCCTTCCAGAGGACGTGAGGGAGCACC-3'
Protein context (NP_055154.3, residues 718-738): FLPVDPEDSP[Leu728Phe]GSSTPMASPD